The following is an entry in ClinVar:

ClinVar aggregate classification (germline): Likely benign (1 of 4 stars; one submission).

Allele frequency attached by ClinVar (database versions not stated): 1000 Genomes Project 30x 0.00219; 1000 Genomes Project 0.00240; ESP Exome Variant Server 0.00431; TOPMed 0.00462; gnomAD 0.00519; ExAC 0.00547.
gnomAD v4.1: 9,884 of 1,613,646 alleles (0.61%); highest among the groups gnomAD compares: Middle Eastern, 2.2%; 44 homozygotes.

Submission:

CeGaT Center for Human Genetics Tuebingen
Classification: Likely benign. Last evaluated: 2024-10-01. Review status: criteria provided, single submitter. Criteria: CeGaT Center For Human Genetics Tuebingen Variant Classification Criteria Version 2. Collection method: clinical testing. Allele origin: germline. Affected: yes. Observed: 2 variant alleles.
Comment: FAM135B: BP4, BS2

NM_015912.4(FAM135B):c.3447T>C (p.Asp1149=)

Gene: FAM135B (family with sequence similarity 135 member B; minus strand). Cytogenetic location: 8q24.23.
Variant type: single nucleotide variant.
Coding change: c.3447T>C on transcript NM_015912.4 (MANE Select); coding-DNA position 3447, T replaced by C.
Protein change: p.Asp1149=; no amino-acid change (aspartic acid 1149 retained).
Molecular consequence: synonymous variant.
Genome position (GRCh38, 1-based): chr8:138,148,521, A>G on the plus strand (T>C on the coding strand, the complement: FAM135B is on the minus strand). VCF-style: chr8-138148521-A-G. GRCh37 (hg19) VCF-style: chr8-139160764-A-G.
Other names: c.3447T>C, p.Asp1149= (NM_001362965.2).
Identifiers: ClinVar variation 2658847 (VCV002658847.24), dbSNP rs140853530, ClinGen allele CA4889137.